The following is an entry in ClinVar:

ClinVar aggregate classification (germline): Uncertain significance. Review status: criteria provided, multiple submitters, no conflicts (2 of 4 stars). 2 submissions from 2 submitters: Uncertain significance (2). Last evaluated 2025-11-26.

Conditions:
TTN-related disorder. Also called: TTN-related disorders; TTN-related condition; TTN-related disease.

Allele frequency attached by ClinVar (database versions not stated): gnomAD exomes below 0.00001 and 0.00001; ExAC 0.00001; gnomAD 0.00003; TOPMed 0.00003; ESP Exome Variant Server 0.00009.
gnomAD v4.1: 5 of 1,496,384 alleles (0.00033%); highest among the groups gnomAD compares: African/African-American, 0.0072%; no homozygotes.

Submissions (2):

PreventionGenetics, part of Exact Sciences
Classification: Uncertain significance for TTN-related condition. Last evaluated: 2025-11-26. Review status: criteria provided, single submitter. Criteria: ACMG Guidelines, 2015. Collection method: clinical testing. Allele origin: germline.
Comment: The TTN c.35357C>G variant is predicted to result in the amino acid substitution p.Pro11786Arg. To our knowledge, this variant has not been reported in the literature. This variant is reported in 0.016% of alleles in individuals of African descent in gnomAD. At this time, the clinical significance of this variant is uncertain due to the absence of conclusive functional and genetic evidence.

Women's Health and Genetics/Laboratory Corporation of America, LabCorp
Classification: Uncertain significance. Last evaluated: 2022-02-05. Review status: criteria provided, single submitter. Criteria: LabCorp Variant Classification Summary - May 2015. Collection method: clinical testing. Allele origin: germline.

NM_001267550.2(TTN):c.35357C>G (p.Pro11786Arg)

Gene: TTN (titin; minus strand). Cytogenetic location: 2q31.2.
Variant type: single nucleotide variant.
Coding change: c.35357C>G on transcript NM_001267550.2 (MANE Select); coding-DNA position 35357, C replaced by G.
Protein change: p.Pro11786Arg; replaces proline 11786 with arginine.
Molecular consequence: missense variant. On other transcripts: intron variant (3).
Genome position (GRCh38, 1-based): chr2:178,670,247, G>C on the plus strand (C>G on the coding strand, the complement: TTN is on the minus strand). VCF-style: chr2-178670247-G-C. GRCh37 (hg19) VCF-style: chr2-179534974-G-C.
Other names: c.34235C>G, p.Pro11412Arg (NM_001256850.1); c.31454C>G, p.Pro10485Arg (NM_133378.4); c.13283-27930C>G (NM_003319.4); c.13859-27930C>G (NM_133437.4); c.13658-27930C>G (NM_133432.3); short protein forms P10485R, P11412R, P11786R.
Identifiers: ClinVar variation 1343733 (VCV001343733.2), dbSNP rs375057451, ClinGen allele CA1997847.